The following is an entry in ClinVar:

NM_002661.5(PLCG2):c.1993C>T (p.Arg665Trp)

Gene: PLCG2 (phospholipase C gamma 2; plus strand). Cytogenetic location: 16q23.3.
Variant type: single nucleotide variant.
Coding change: c.1993C>T on transcript NM_002661.5 (MANE Select); coding-DNA position 1993, C replaced by T.
Protein change: p.Arg665Trp; replaces arginine 665 with tryptophan.
Molecular consequence: missense variant.
Genome position (GRCh38, 1-based): chr16:81,912,655, C>T. VCF-style: chr16-81912655-C-T. GRCh37 (hg19) VCF-style: chr16-81946260-C-T.
Other names: short protein forms R665W.
Identifiers: ClinVar variation 376213 (VCV000376213.6), dbSNP rs1057519831, ClinGen allele CA16602667.

ClinVar aggregate classification (germline): Uncertain significance (1 of 4 stars; one submission).

Conditions:
Familial cold autoinflammatory syndrome 3 (FCAS3). Also called: FAMILIAL ATYPICAL COLD URTICARIA; ANTIBODY DEFICIENCY AND IMMUNE DYSREGULATION, PLCG2-ASSOCIATED. Identifiers: Orphanet 300359, MedGen C3280914, MONDO:0013766, OMIM 614468.

Allele frequency attached by ClinVar (database versions not stated): gnomAD exomes below 0.00001.
gnomAD v4.1: 2 of 1,612,904 alleles (0.00012%); highest among the groups gnomAD compares: Non-Finnish European, 0.00017%; no homozygotes.

Submission:

Labcorp Genetics (formerly Invitae), Labcorp
Classification: Uncertain significance for Familial cold autoinflammatory syndrome 3. Last evaluated: 2022-10-07. Review status: criteria provided, single submitter. Criteria: Invitae Variant Classification Sherloc (09022015). Collection method: clinical testing. Allele origin: germline.
Comment: This variant has not been reported in the literature in individuals affected with PLCG2-related conditions. This variant is not present in population databases (gnomAD no frequency). This sequence change replaces arginine, which is basic and polar, with tryptophan, which is neutral and slightly polar, at codon 665 of the PLCG2 protein (p.Arg665Trp). ClinVar contains an entry for this variant (Variation ID: 376213). In summary, the available evidence is currently insufficient to determine the role of this variant in disease. Therefore, it has been classified as a Variant of Uncertain Significance. Algorithms developed to predict the effect of missense changes on protein structure and function are either unavailable or do not agree on the potential impact of this missense change (SIFT: "Deleterious"; PolyPhen-2: "Benign"; Align-GVGD: "Class C25").